The following is an entry in ClinVar:

NM_015213.4(DENND5A):c.3681-3C>G

Gene: DENND5A (DENN domain containing 5A; minus strand). Cytogenetic location: 11p15.4.
Variant type: single nucleotide variant.
Coding change: c.3681-3C>G on transcript NM_015213.4 (MANE Select); 3 bases into the intron before coding-DNA position 3681, C replaced by G.
Molecular consequence: intron variant.
Genome position (GRCh38, 1-based): chr11:9,139,857, G>C on the plus strand (C>G on the coding strand, the complement: DENND5A is on the minus strand). VCF-style: chr11-9139857-G-C. GRCh37 (hg19) VCF-style: chr11-9161404-G-C.
Other names: c.3609-3C>G (NM_001348749.2); c.3647-3C>G (NM_001243254.2); c.3393-3C>G (NM_001348750.2).
Identifiers: ClinVar variation 2814732 (VCV002814732.3), dbSNP rs1847177777, ClinGen allele CA1951453032.

ClinVar aggregate classification (germline): Uncertain significance (1 of 4 stars; one submission).

Allele frequency attached by ClinVar (database versions not stated): TOPMed below 0.00001.

Submission:

Labcorp Genetics (formerly Invitae), Labcorp
Classification: Uncertain significance. Last evaluated: 2022-11-16. Review status: criteria provided, single submitter. Criteria: Invitae Variant Classification Sherloc (09022015). Collection method: clinical testing. Allele origin: germline.
Comment: In summary, the available evidence is currently insufficient to determine the role of this variant in disease. Therefore, it has been classified as a Variant of Uncertain Significance. Variants that disrupt the consensus splice site are a relatively common cause of aberrant splicing (PMID: 17576681, 9536098). Algorithms developed to predict the effect of sequence changes on RNA splicing suggest that this variant may disrupt the consensus splice site. This variant has not been reported in the literature in individuals affected with DENND5A-related conditions. This variant is not present in population databases (gnomAD no frequency). This sequence change falls in intron 22 of the DENND5A gene. It does not directly change the encoded amino acid sequence of the DENND5A protein. It affects a nucleotide within the consensus splice site.

Literature cited by the submitters: PubMed 17576681; PubMed 9536098.